The following is an entry in ClinVar:

ClinVar aggregate classification (germline): Uncertain significance. Review status: criteria provided, multiple submitters, no conflicts (2 of 4 stars). 2 submissions from 2 submitters: Uncertain significance (2). Last evaluated 2025-10-21.

Conditions:
Inborn genetic diseases. Identifiers: MedGen C0950123, MeSH D030342.

Allele frequency attached by ClinVar (database versions not stated): gnomAD exomes below 0.00001.
gnomAD v4.1: 1 of 1,581,782 alleles (0.000063%); highest among the groups gnomAD compares: Non-Finnish European, 0.000086%; no homozygotes.

Submissions (2):

Ambry Genetics
Classification: Uncertain significance for Inborn genetic diseases. Last evaluated: 2025-10-21. Review status: criteria provided, single submitter. Criteria: Ambry Variant Classification Scheme 2023. Collection method: clinical testing. Allele origin: germline.

Labcorp Genetics (formerly Invitae), Labcorp
Classification: Uncertain significance. Last evaluated: 2022-11-22. Review status: criteria provided, single submitter. Criteria: Invitae Variant Classification Sherloc (09022015). Collection method: clinical testing. Allele origin: germline.
Comment: In summary, the available evidence is currently insufficient to determine the role of this variant in disease. Therefore, it has been classified as a Variant of Uncertain Significance. Algorithms developed to predict the effect of missense changes on protein structure and function are either unavailable or do not agree on the potential impact of this missense change (SIFT: "Tolerated"; PolyPhen-2: "Probably Damaging"; Align-GVGD: "Class C0"). This variant has not been reported in the literature in individuals affected with HSPG2-related conditions. This variant is not present in population databases (gnomAD no frequency). This sequence change replaces glycine, which is neutral and non-polar, with serine, which is neutral and polar, at codon 3438 of the HSPG2 protein (p.Gly3438Ser).

NM_005529.7(HSPG2):c.10312G>A (p.Gly3438Ser)

Gene: HSPG2 (heparan sulfate proteoglycan 2; minus strand). Cytogenetic location: 1p36.12.
Variant type: single nucleotide variant.
Coding change: c.10312G>A on transcript NM_005529.7 (MANE Select); coding-DNA position 10312, G replaced by A.
Protein change: p.Gly3438Ser; replaces glycine 3438 with serine.
Molecular consequence: missense variant.
Genome position (GRCh38, 1-based): chr1:21,836,845, C>T on the plus strand (G>A on the coding strand, the complement: HSPG2 is on the minus strand). VCF-style: chr1-21836845-C-T. GRCh37 (hg19) VCF-style: chr1-22163338-C-T.
Other names: c.10315G>A, p.Gly3439Ser (NM_001291860.2); c.10312G>A (NM_005529.5); short protein forms G3438S, G3439S.
Identifiers: ClinVar variation 1920032 (VCV001920032.6), dbSNP rs2098028296, ClinGen allele CA338910746.